The following is an entry in ClinVar:

NM_000548.5(TSC2):c.1208C>T (p.Ser403Phe)

Gene: TSC2 (TSC complex subunit 2; plus strand). Cytogenetic location: 16p13.3.
Variant type: single nucleotide variant.
Coding change: c.1208C>T on transcript NM_000548.5 (MANE Select); coding-DNA position 1208, C replaced by T.
Protein change: p.Ser403Phe; replaces serine 403 with phenylalanine.
Molecular consequence: missense variant.
Genome position (GRCh38, 1-based): chr16:2,061,959, C>T. VCF-style: chr16-2061959-C-T. GRCh37 (hg19) VCF-style: chr16-2111960-C-T.
Other names: c.1208C>T, p.Ser403Phe (NM_001370405.1, NM_021055.3, NM_001077183.3 and 3 more transcripts); c.1097C>T, p.Ser366Phe (NM_001318827.2); c.1061C>T, p.Ser354Phe (NM_001318829.2); c.608C>T, p.Ser203Phe (NM_001318831.2); c.1241C>T, p.Ser414Phe (NM_001318832.2); short protein forms S403F, S203F, S414F, S366F, S354F.
Identifiers: ClinVar variation 467849 (VCV000467849.2), dbSNP rs1555501098, ClinGen allele CA394320929.

ClinVar aggregate classification (germline): Uncertain significance. Review status: criteria provided, multiple submitters, no conflicts (2 of 4 stars). 2 submissions from 2 submitters: Uncertain significance (2). Last evaluated 2025-06-24.

Conditions:
Hereditary cancer-predisposing syndrome. Also called: Hereditary neoplastic syndrome; Neoplastic Syndromes, Hereditary; Tumor predisposition; Hereditary Cancer Syndrome. Identifiers: Orphanet 140162, MedGen C0027672, MeSH D009386, MONDO:0015356.
Tuberous sclerosis 2 (TSC2). Identifiers: Orphanet 805, MedGen C1860707, MONDO:0013199, OMIM 613254.

Allele frequency attached by ClinVar (database versions not stated): gnomAD exomes 0.00001.
gnomAD v4.1: 15 of 1,614,194 alleles (0.00093%); highest among the groups gnomAD compares: Non-Finnish European, 0.0012%; no homozygotes.

Submissions (2):

Ambry Genetics
Classification: Uncertain significance for Hereditary cancer-predisposing syndrome. Last evaluated: 2025-06-24. Review status: criteria provided, single submitter. Criteria: Ambry Variant Classification Scheme 2023. Collection method: clinical testing. Allele origin: germline.
Comment: The p.S403F variant (also known as c.1208C>T), located in coding exon 11 of the TSC2 gene, results from a C to T substitution at nucleotide position 1208. The serine at codon 403 is replaced by phenylalanine, an amino acid with highly dissimilar properties. This amino acid position is conserved. In addition, the in silico prediction for this alteration is inconclusive. Based on the available evidence, the clinical significance of this variant remains unclear.

Labcorp Genetics (formerly Invitae), Labcorp
Classification: Uncertain significance for Tuberous sclerosis 2. Last evaluated: 2017-01-16. Review status: criteria provided, single submitter. Criteria: Invitae Variant Classification Sherloc (09022015). Collection method: clinical testing. Allele origin: germline.
Comment: This sequence change replaces serine with phenylalanine at codon 403 of the TSC2 protein (p.Ser403Phe). The serine residue is highly conserved and there is a large physicochemical difference between serine and phenylalanine. This variant is not present in population databases (ExAC no frequency) and has not been reported in the literature in individuals with a TSC2-related disease. Algorithms developed to predict the effect of missense changes on protein structure and function (SIFT, PolyPhen-2, Align-GVGD) all suggest that this variant is likely to be disruptive, but these predictions have not been confirmed by published functional studies. In summary, this variant is a novel missense change with uncertain impact on protein function. It has been classified as a Variant of Uncertain Significance.